The following is an entry in ClinVar:

NM_001393769.1(MED12L):c.1417C>T (p.Arg473Ter)

Gene: MED12L (mediator complex subunit 12L; plus strand). Cytogenetic location: 3q25.1.
Variant type: single nucleotide variant.
Coding change: c.1417C>T on transcript NM_001393769.1 (MANE Select); coding-DNA position 1417, C replaced by T.
Protein change: p.Arg473Ter; replaces arginine 473 with a stop codon.
Molecular consequence: nonsense.
Genome position (GRCh38, 1-based): chr3:151,165,905, C>T. VCF-style: chr3-151165905-C-T. GRCh37 (hg19) VCF-style: chr3-150883692-C-T.
Other names: c.1417C>T (NM_053002.4); c.1417C>T, p.Arg473Ter (NM_053002.6); short protein forms R473*.
Identifiers: ClinVar variation 1334051 (VCV001334051.3), dbSNP rs2148981349, ClinGen allele CA354959288.
Genomic context (GRCh38, chr3:151,165,905, plus strand): 5'-GGGGTGACTATTAGTCGGGTTTTGCACACGTTGGAAGTTTTGGATCGTCACTGTTTTGAC[C>T]GAACTGATTCCAGCAATTCCATGGAGACACTTTATCATAAGATTTTCTGGGCAAACCAAA-3'

ClinVar aggregate classification (germline): Conflicting classifications of pathogenicity. Review status: criteria provided, conflicting classifications (1 of 4 stars). 2 submissions from 2 submitters: Pathogenic (1); Uncertain significance (1). Last evaluated 2024-12-29.

Conditions:
Nizon-Isidor syndrome. Identifiers: MedGen C5394350, MONDO:0030030, OMIM 618872.

gnomAD v4.1: 1 of 1,613,826 alleles (0.000062%); highest among the groups gnomAD compares: Non-Finnish European, 0.000085%; no homozygotes.

Submissions (2):

GeneDx
Classification: Pathogenic. Last evaluated: 2024-12-29. Review status: criteria provided, single submitter. Criteria: GeneDx Variant Classification Process June 2021. Collection method: clinical testing. Allele origin: germline.
Comment: Nonsense variant predicted to result in protein truncation or nonsense mediated decay in a gene for which loss of function is a known mechanism of disease; Not observed at significant frequency in large population cohorts (gnomAD); Has not been previously published as pathogenic or benign to our knowledge

CENTOGENE GmbH and LLC - Guiding Precision Medicine
Classification: Uncertain significance for Nizon-Isidor syndrome. Last evaluated: 2021-07-05. Review status: criteria provided, single submitter. Criteria: ACMG Guidelines, 2015. Collection method: clinical testing. Allele origin: maternal.